The following is an entry in ClinVar:

NM_001927.4(DES):c.627_629delinsGCT (p.Ala210Leu)

Gene: DES (desmin; plus strand). Cytogenetic location: 2q35.
Variant type: Indel.
Coding change: c.627_629delinsGCT on transcript NM_001927.4 (MANE Select); coding-DNA positions 627 to 629, TGC replaced by GCT.
Protein change: p.Ala210Leu; replaces alanine 210 with leucine.
Molecular consequence: missense variant. On other transcripts: intron variant (1).
Genome position (GRCh38, 1-based): chr2:219,420,143-219,420,145, TGC replaced by GCT. VCF-style: chr2-219420143-TGC-GCT. GRCh37 (hg19) VCF-style: chr2-220284865-TGC-GCT.
Other names: c.627_629delinsGCT, p.Ala210Leu (NM_001382708.1, NM_001382709.1, NM_001382710.1 and 2 more transcripts); c.627_629delTGCinsGCT, p.Ala210Leu (NM_001927.3); c.496-382_496-380delinsGCT (NM_001382713.1); short protein forms A210L.
Identifiers: ClinVar variation 4975478 (VCV004975478.1).

ClinVar aggregate classification (germline): Uncertain significance (1 of 4 stars; one submission).

Submission:

GeneDx
Classification: Uncertain significance. Last evaluated: 2026-01-21. Review status: criteria provided, single submitter. Criteria: GeneDx Variant Classification Process June 2021. Collection method: clinical testing. Allele origin: germline.
Comment: Not observed at significant frequency in large population cohorts (gnomAD); In silico analysis supports a deleterious effect on protein structure/function; Has not been previously published as pathogenic or benign to our knowledge; This variant is associated with the following publications: (PMID: 26807690)